The following is an entry in ClinVar:

NM_138773.4(SLC25A46):c.864_866dup (p.Ile289dup)

Gene: SLC25A46 (solute carrier family 25 member 46; plus strand). Cytogenetic location: 5q22.1.
Variant type: Duplication.
Coding change: c.864_866dup on transcript NM_138773.4 (MANE Select); coding-DNA positions 864 to 866, 3 bases duplicated (AAT; older notation c.864_866dupAAT).
Protein change: p.Ile289dup; duplicates isoleucine 289.
Molecular consequence: inframe insertion. On other transcripts: non-coding transcript variant (1), intron variant (1).
Genome position (GRCh38, 1-based): chr5:110,761,389-110,761,391, AAT duplicated; duplicating any 3 consecutive bases within chr5:110,761,388-110,761,391 gives the same sequence; the c. name uses the placement nearest the transcript's 3' end. VCF-style (leftmost placement, unchanged base first): chr5-110761387-C-CTAA. GRCh37 (hg19) VCF-style: chr5-110097087-C-CTAA.
Other names: c.591_593dup, p.Ile198dup (NM_001303250.3); c.679-58_679-56dup (NM_001303249.3).
Identifiers: ClinVar variation 941657 (VCV000941657.10), dbSNP rs1800246194, ClinGen allele CA1139658975.

ClinVar aggregate classification (germline): Uncertain significance (1 of 4 stars; one submission).

Conditions:
Neuropathy, hereditary motor and sensory, type 6B (HMSN6B). Also called: Neuropathy, hereditary motor and sensory, type VIB; NEUROPATHY, HEREDITARY MOTOR AND SENSORY, TYPE VIB, WITH OPTIC ATROPHY; HMSN VIB; CHARCOT-MARIE-TOOTH DISEASE, TYPE 6B. Identifiers: MedGen C4225302, MONDO:0014671, OMIM 616505.

Submission:

Labcorp Genetics (formerly Invitae), Labcorp
Classification: Uncertain significance for Neuropathy, hereditary motor and sensory, type 6B. Last evaluated: 2019-08-30. Review status: criteria provided, single submitter. Criteria: Invitae Variant Classification Sherloc (09022015). Collection method: clinical testing. Allele origin: germline.
Comment: Experimental studies and prediction algorithms are not available or were not evaluated for this variant, and the functional significance of this variant is currently unknown. In summary, the available evidence is currently insufficient to determine the role of this variant in disease. Therefore, it has been classified as a Variant of Uncertain Significance. This variant has not been reported in the literature in individuals with SLC25A46-related conditions. This variant is not present in population databases (ExAC no frequency). This variant, c.864_866dup, results in the insertion of 1 amino acid(s) to the SLC25A46 protein (p.Ile289dup), but otherwise preserves the integrity of the reading frame.